The following is an entry in ClinVar:

NM_015338.6(ASXL1):c.3666C>T (p.Ser1222=)

Gene: ASXL1 (ASXL transcriptional regulator 1; plus strand). Cytogenetic location: 20q11.21.
Variant type: single nucleotide variant.
Coding change: c.3666C>T on transcript NM_015338.6 (MANE Select); coding-DNA position 3666, C replaced by T.
Protein change: p.Ser1222=; no amino-acid change (serine 1222 retained).
Molecular consequence: synonymous variant.
Genome position (GRCh38, 1-based): chr20:32,436,378, C>T. VCF-style: chr20-32436378-C-T. GRCh37 (hg19) VCF-style: chr20-31024181-C-T.
Other names: c.3483C>T, p.Ser1161= (NM_001363734.1).
Identifiers: ClinVar variation 3772107 (VCV003772107.14).
Genomic context (GRCh38, chr20:32,436,378, plus strand): 5'-GAATTGCAAGGCAGTCCCAAGTTTTGACTCCCTCCATCCAGTGACAAATCCCATTACATC[C>T]TCTAGGAAACTGGAAGAAATGGATTCCAAAGAGCAGTTCTCTTCCTTTAGTTGTGAAGAT-3'
Protein context (NP_056153.2, residues 1212-1232): SLHPVTNPIT[Ser1222=]SRKLEEMDSK

ClinVar aggregate classification (germline): Likely benign. Review status: criteria provided, multiple submitters, no conflicts (2 of 4 stars). 2 submissions from 2 submitters: Likely benign (2). Last evaluated 2026-09-13.

Conditions:
Inborn genetic diseases. Identifiers: MedGen C0950123, MeSH D030342.

gnomAD v4.1: 2 of 1,613,716 alleles (0.00012%); highest among the groups gnomAD compares: Non-Finnish European, 0.000085%; no homozygotes.

Submissions (2):

Ambry Genetics
Classification: Likely benign for Inborn genetic diseases. Last evaluated: 2026-09-13. Review status: criteria provided, single submitter. Criteria: Ambry Variant Classification Scheme 2023. Collection method: clinical testing. Allele origin: germline.

CeGaT Center for Human Genetics Tuebingen
Classification: Likely benign. Last evaluated: 2024-12-01. Review status: criteria provided, single submitter. Criteria: CeGaT Center For Human Genetics Tuebingen Variant Classification Criteria Version 2. Collection method: clinical testing. Allele origin: germline. Affected: yes. Observed: 1 variant allele.
Comment: ASXL1: BP4, BP7